The following is an entry in ClinVar:

NM_002907.4(RECQL):c.910A>T (p.Ile304Phe)

Gene: RECQL (RecQ like helicase; minus strand). Cytogenetic location: 12p12.1.
Variant type: single nucleotide variant.
Coding change: c.910A>T on transcript NM_002907.4 (MANE Select); coding-DNA position 910, A replaced by T.
Protein change: p.Ile304Phe; replaces isoleucine 304 with phenylalanine.
Molecular consequence: missense variant.
Genome position (GRCh38, 1-based): chr12:21,476,950, T>A on the plus strand (A>T on the coding strand, the complement: RECQL is on the minus strand). VCF-style: chr12-21476950-T-A. GRCh37 (hg19) VCF-style: chr12-21629884-T-A.
Other names: c.910A>T, p.Ile304Phe (NM_032941.3); short protein forms I304F.
Identifiers: ClinVar variation 1765833 (VCV001765833.3), dbSNP rs2540352029, ClinGen allele CA384122990.

ClinVar aggregate classification (germline): Uncertain significance (1 of 4 stars; one submission).

Submission:

Ambry Genetics
Classification: Uncertain significance. Last evaluated: 2023-07-20. Review status: criteria provided, single submitter. Criteria: Ambry Variant Classification Scheme 2023. Collection method: clinical testing. Allele origin: germline.
Comment: The p.I304F variant (also known as c.910A>T), located in coding exon 7 of the RECQL gene, results from an A to T substitution at nucleotide position 910. The isoleucine at codon 304 is replaced by phenylalanine, an amino acid with highly similar properties. This amino acid position is conserved. In addition, the in silico prediction for this alteration is inconclusive. The evidence for this gene-disease relationship is limited; therefore, the clinical significance of this alteration is unclear.